The following is an entry in ClinVar:

ClinVar aggregate classification (germline): Uncertain significance (1 of 4 stars; one submission).

Conditions:
Cortical dysplasia, complex, with other brain malformations 13. Also called: Intellectual disability, autosomal dominant 13. Identifiers: MedGen C3281202, MONDO:0013805, OMIM 614563.

Submission:

Institute of Human Genetics, University of Leipzig Medical Center
Classification: Uncertain significance for Cortical dysplasia, complex, with other brain malformations 13. Last evaluated: 2022-12-19. Review status: criteria provided, single submitter. Criteria: ACMG Guidelines, 2015. Collection method: clinical testing. Allele origin: unknown. Affected: yes.
Comment: _x000D_ Criteria applied: PM2_SUP, PP2, PP3

NM_001376.5(DYNC1H1):c.6071G>A (p.Gly2024Asp)

Gene: DYNC1H1 (dynein cytoplasmic 1 heavy chain 1; plus strand). Cytogenetic location: 14q32.31.
Variant type: single nucleotide variant.
Coding change: c.6071G>A on transcript NM_001376.5 (MANE Select); coding-DNA position 6071, G replaced by A.
Protein change: p.Gly2024Asp; replaces glycine 2024 with aspartic acid.
Molecular consequence: missense variant.
Genome position (GRCh38, 1-based): chr14:102,009,936, G>A. VCF-style: chr14-102009936-G-A. GRCh37 (hg19) VCF-style: chr14-102476273-G-A.
Other names: short protein forms G2024D.
Identifiers: ClinVar variation 2430243 (VCV002430243.1), dbSNP rs2503750896, ClinGen allele CA391052883.